The following is an entry in ClinVar:

NM_001378615.1(CC2D2A):c.1263_1264insGGCATGTTTTGGC (p.Ser422fs)

Genes: CC2D2A (coiled-coil and C2 domain containing 2A; plus strand), FBXL5 (F-box and leucine rich repeat protein 5; minus strand). Cytogenetic location: 4p15.32.
Variant type: Insertion.
Coding change: c.1263_1264insGGCATGTTTTGGC on transcript NM_001378615.1 (MANE Select); coding-DNA positions 1263 to 1264, GGCATGTTTTGGC inserted.
Protein change: p.Ser422fs; shifts the reading frame from serine 422.
Molecular consequence: frameshift variant.
Genome position: GRCh38 VCF-style: chr4-15527560-T-TGGCATGTTTTGGC. GRCh37 (hg19) VCF-style: chr4-15529183-T-TGGCATGTTTTGGC.
Other names: c.1116_1117insGGCATGTTTTGGC, p.Ser373fs (NM_001378617.1); c.1263_1264insGGCATGTTTTGGC, p.Ser422fs (NM_001080522.2); short protein forms S373fs, S422fs.
Identifiers: ClinVar variation 2949355 (VCV002949355.4), dbSNP rs762998472, ClinGen allele CA2863621.

ClinVar aggregate classification (germline): Pathogenic. Review status: criteria provided, multiple submitters, no conflicts (2 of 4 stars). 2 submissions from 2 submitters: Pathogenic (2). Last evaluated 2025-05-13.

Conditions:
Joubert syndrome and related disorders. Identifiers: Orphanet 140874, MedGen C5679612, MONDO:0015369.
Joubert syndrome. Also called: JOUBERT-BOLTSHAUSER SYNDROME; Familial aplasia of the vermis. Identifiers: Orphanet 475, MedGen C5979921, MONDO:0018772.
Meckel-Gruber syndrome. Also called: DYSENCEPHALIA SPLANCHNOCYSTICA; GRUBER SYNDROME; Dysencephalia splachnocystica. Identifiers: Orphanet 564, MedGen C0265215, MONDO:0018921.

Allele frequency attached by ClinVar (database versions not stated): gnomAD exomes below 0.00001; ExAC 0.00001.

Submissions (2):

Myriad Genetics, Inc.
Classification: Pathogenic for Joubert syndrome and related disorders. Last evaluated: 2025-05-13. Review status: criteria provided, single submitter. Criteria: Myriad Autosomal Dominant, Autosomal Recessive and X-Linked Classification Criteria (2023). Collection method: clinical testing. Allele origin: unknown.
Comment: NM_001080522.2(CC2D2A):c.1263_1264ins13(S422Gfs*19) is expected to be pathogenic in the context of CC2D2A-related disorders. This variant is predicted to lead to an abnormal or absent protein product due to the creation of a premature termination codon in CC2D2A, a gene where loss-of-function variants are known to be pathogenic. Please note: this variant was assessed in the context of healthy population screening.

Labcorp Genetics (formerly Invitae), Labcorp
Classification: Pathogenic for Joubert syndrome; Meckel-Gruber syndrome. Last evaluated: 2023-07-19. Review status: criteria provided, single submitter. Criteria: Invitae Variant Classification Sherloc (09022015). Collection method: clinical testing. Allele origin: germline.
Comment: For these reasons, this variant has been classified as Pathogenic. Algorithms developed to predict the effect of sequence changes on RNA splicing suggest that this variant may create or strengthen a splice site. This premature translational stop signal has been observed in individual(s) with Joubert syndrome (PMID: 31964843). This variant is present in population databases (rs762998472, gnomAD 0.0009%). This sequence change creates a premature translational stop signal (p.Ser422Glyfs*19) in the CC2D2A gene. It is expected to result in an absent or disrupted protein product. Loss-of-function variants in CC2D2A are known to be pathogenic (PMID: 19777577).

Literature cited by the submitters: PubMed 31964843 (cited by Labcorp Genetics (formerly Invitae), Labcorp); PubMed 19777577 (cited by Labcorp Genetics (formerly Invitae), Labcorp).